The following is an entry in ClinVar:

ClinVar aggregate classification (germline): Pathogenic. Review status: criteria provided, multiple submitters, no conflicts (2 of 4 stars). 3 submissions from 3 submitters: Pathogenic (2). 1 of the submissions does not count toward it. Last evaluated 2024-06-05.

Conditions:
Familial steroid-resistant nephrotic syndrome with sensorineural deafness. Identifiers: Orphanet 280406, MedGen C3553349, MONDO:0013836, OMIM 614650.

Submissions (3):

Fulgent Genetics
Classification: Pathogenic for Familial steroid-resistant nephrotic syndrome with sensorineural deafness. Last evaluated: 2024-06-05. Review status: criteria provided, single submitter. Criteria: ACMG Guidelines, 2015. Collection method: clinical testing. Allele origin: germline.

3billion
Classification: Pathogenic for Familial steroid-resistant nephrotic syndrome with sensorineural deafness. Last evaluated: 2024-02-16. Review status: criteria provided, single submitter. Criteria: ACMG Guidelines, 2015. Collection method: clinical testing. Allele origin: germline. Affected: yes.
Comment: The variant is observed at an extremely low frequency in the gnomAD v2.1.1 dataset (total allele frequency: 0.001%). Predicted Consequence/Location: Inframe deletion located in a nonrepeat region: predicted to change the length of the protein and disrupt normal protein function. The variant has been reported to be in trans with a pathogenic variant as either compound heterozygous or homozygous in at least 2 similarly affected unrelated individuals (PMID: 28117207). The variant has been reported at least twice as pathogenic without evidence for the classification (ClinVar ID: VCV000992499 /PMID: 28117207 /3billion dataset). Therefore, this variant is classified as Pathogenic according to the recommendation of ACMG/AMP guideline.

OMIM
Classification: Pathogenic for COENZYME Q10 DEFICIENCY, PRIMARY, 6. Last evaluated: 2021-01-04. Review status: no assertion criteria provided. Collection method: literature only. Allele origin: germline. Not counted in ClinVar's aggregate classification.

Literature cited by the submitters: PubMed 28117207 (cited by 3billion and OMIM).

NM_182476.3(COQ6):c.189_191del (p.Lys64del)

Gene: COQ6 (coenzyme Q6, monooxygenase; plus strand). Cytogenetic location: 14q24.3.
Variant type: Deletion.
Coding change: c.189_191del on transcript NM_182476.3 (MANE Select); coding-DNA positions 189 to 191, 3 bases deleted (GAA; older notation c.189_191delGAA).
Protein change: p.Lys64del; deletes lysine 64.
Molecular consequence: inframe deletion.
Genome position (GRCh38, 1-based): chr14:73,953,460-73,953,462, GAA deleted; deleting any 3 consecutive bases within chr14:73,953,458-73,953,462 gives the same sequence; the c. name uses the placement nearest the transcript's 3' end. VCF-style (leftmost placement, unchanged base first): chr14-73953457-CAAG-C. GRCh37 (hg19) VCF-style: chr14-74420160-CAAG-C.
Other names: c.114_116del, p.Lys39del (NM_182480.3); short protein forms K39del, K64del.
Identifiers: ClinVar variation 992499 (VCV000992499.5), dbSNP rs746839544, ClinGen allele CA7264089.